The following is an entry in ClinVar:

ClinVar aggregate classification (germline): Pathogenic (1 of 4 stars; one submission).

Conditions:
Hereditary factor XI deficiency disease. Also called: PLASMA THROMBOPLASTIN ANTECEDENT DEFICIENCY; PTA DEFICIENCY; ROSENTHAL SYNDROME; Congenital factor XI deficiency. Identifiers: Orphanet 329, MedGen C0015523, MeSH D005173, MONDO:0012897, OMIM 612416.

Submission:

Myriad Genetics, Inc.
Classification: Pathogenic for Hereditary factor XI deficiency disease. Last evaluated: 2025-11-04. Review status: criteria provided, single submitter. Criteria: Myriad Autosomal Dominant, Autosomal Recessive and X-Linked Classification Criteria (2023). Collection method: clinical testing. Allele origin: unknown.
Comment: NM_000128.3(F11):c.446dupT(T150Hfs*14) is expected to be pathogenic in the context of factor XI deficiency. This variant is predicted to lead to an abnormal or absent protein product due to the creation of a premature termination codon in F11, a gene where loss-of-function variants are known to be pathogenic. Please note: this variant was assessed in the context of healthy population screening.

NM_000128.4(F11):c.446dup (p.Thr150fs)

Gene: F11 (coagulation factor XI; plus strand). Cytogenetic location: 4q35.2.
Variant type: Duplication.
Coding change: c.446dup on transcript NM_000128.4 (MANE Select); coding-DNA position 446, one base duplicated (T; older notation c.446dupT).
Protein change: p.Thr150fs; shifts the reading frame from threonine 150.
Molecular consequence: frameshift variant.
Genome position (GRCh38, 1-based): chr4:186,274,236, T duplicated; the last of 5 consecutive T bases (chr4:186,274,232-186,274,236); duplicating any one gives the same sequence. VCF-style (leftmost placement, unchanged base first): chr4-186274231-C-CT. GRCh37 (hg19) VCF-style: chr4-187195385-C-CT.
Other names: c.446dup, p.Thr150fs (NM_001354804.2, NM_001440590.1, NM_001440593.1 and 5 more transcripts); short protein forms T150fs.
Identifiers: ClinVar variation 5015173 (VCV005015173.1).